The following is an entry in ClinVar:

NM_000108.5(DLD):c.338-1G>A

Gene: DLD (dihydrolipoamide dehydrogenase; plus strand). Cytogenetic location: 7q31.1.
Variant type: single nucleotide variant.
Coding change: c.338-1G>A on transcript NM_000108.5 (MANE Select); the canonical splice acceptor site of the intron before coding-DNA position 338, G replaced by A.
Molecular consequence: splice acceptor variant.
Genome position (GRCh38, 1-based): chr7:107,904,957, G>A. VCF-style: chr7-107904957-G-A. GRCh37 (hg19) VCF-style: chr7-107545402-G-A.
Other names: c.338-1G>A (NM_001289752.1); c.269-1G>A (NM_001289751.1); c.41-1G>A (NM_001289750.1).
Identifiers: ClinVar variation 2754864 (VCV002754864.3), dbSNP rs1444821472, ClinGen allele CA368855171.

ClinVar aggregate classification (germline): Likely pathogenic (1 of 4 stars; one submission).

Conditions:
Pyruvate dehydrogenase E3 deficiency (DLDD). Also called: Dihydrolipoamide Dehydrogenase E3 Deficiency; Dihydrolipoamide Dehydrogenase (E3) Deficiency; MAPLE SYRUP URINE DISEASE, TYPE III; DLD DEFICIENCY; E3 DEFICIENCY; Dihydrolipoamide Dehydrogenase Deficiency. Identifiers: Orphanet 2394, Orphanet 765, MedGen C5574660, MONDO:0009529, OMIM 246900.

Submission:

Labcorp Genetics (formerly Invitae), Labcorp
Classification: Likely pathogenic for Pyruvate dehydrogenase E3 deficiency. Last evaluated: 2023-08-24. Review status: criteria provided, single submitter. Criteria: Invitae Variant Classification Sherloc (09022015). Collection method: clinical testing. Allele origin: germline.
Comment: This sequence change affects an acceptor splice site in intron 5 of the DLD gene. It is expected to disrupt RNA splicing. Variants that disrupt the donor or acceptor splice site typically lead to a loss of protein function (PMID: 16199547), and loss-of-function variants in DLD are known to be pathogenic (PMID: 8968745, 9934985). In summary, the currently available evidence indicates that the variant is pathogenic, but additional data are needed to prove that conclusively. Therefore, this variant has been classified as Likely Pathogenic. Algorithms developed to predict the effect of sequence changes on RNA splicing suggest that this variant may disrupt the consensus splice site. This variant has not been reported in the literature in individuals affected with DLD-related conditions. This variant is not present in population databases (gnomAD no frequency).

Literature cited by the submitters: PubMed 16199547; PubMed 8968745; PubMed 9934985.